The following is an entry in ClinVar:

NM_000760.4(CSF3R):c.2237C>T (p.Thr746Ile)

Gene: CSF3R (colony stimulating factor 3 receptor; minus strand). Cytogenetic location: 1p34.3.
Variant type: single nucleotide variant.
Coding change: c.2237C>T on transcript NM_000760.4 (MANE Select); coding-DNA position 2237, C replaced by T.
Protein change: p.Thr746Ile; replaces threonine 746 with isoleucine.
Molecular consequence: missense variant.
Genome position (GRCh38, 1-based): chr1:36,466,631, G>A on the plus strand (C>T on the coding strand, the complement: CSF3R is on the minus strand). VCF-style: chr1-36466631-G-A. GRCh37 (hg19) VCF-style: chr1-36932232-G-A.
Other names: c.2318C>T, p.Thr773Ile (NM_156039.3); c.2237C>T, p.Thr746Ile (NM_172313.3); short protein forms T746I, T773I.
Identifiers: ClinVar variation 842556 (VCV000842556.7), dbSNP rs1382959301, ClinGen allele CA339413538.

ClinVar aggregate classification (germline): Uncertain significance (1 of 4 stars; one submission).

Conditions:
Autosomal recessive severe congenital neutropenia due to CSF3R deficiency. Also called: Neutropenia, severe congenital, 7, autosomal recessive. Identifiers: Orphanet 420702, MedGen C4310764, MONDO:0014865, OMIM 617014.

Allele frequency attached by ClinVar (database versions not stated): TOPMed below 0.00001; gnomAD 0.00001.
gnomAD v4.1: 1 of 1,614,002 alleles (0.000062%); highest among the groups gnomAD compares: Non-Finnish European, 0.000085%; no homozygotes.

Submission:

Labcorp Genetics (formerly Invitae), Labcorp
Classification: Uncertain significance for Autosomal recessive severe congenital neutropenia due to CSF3R deficiency. Last evaluated: 2021-12-03. Review status: criteria provided, single submitter. Criteria: Invitae Variant Classification Sherloc (09022015). Collection method: clinical testing. Allele origin: germline.
Comment: This sequence change replaces threonine, which is neutral and polar, with isoleucine, which is neutral and non-polar, at codon 746 of the CSF3R protein (p.Thr746Ile). This variant is not present in population databases (gnomAD no frequency). This variant has not been reported in the literature in individuals affected with CSF3R-related conditions. ClinVar contains an entry for this variant (Variation ID: 842556). Algorithms developed to predict the effect of missense changes on protein structure and function (SIFT, PolyPhen-2, Align-GVGD) all suggest that this variant is likely to be tolerated. In summary, the available evidence is currently insufficient to determine the role of this variant in disease. Therefore, it has been classified as a Variant of Uncertain Significance.